The following is an entry in ClinVar:

ClinVar aggregate classification (germline): Uncertain significance. Review status: criteria provided, multiple submitters, no conflicts (2 of 4 stars). 2 submissions from 2 submitters: Uncertain significance (2). Last evaluated 2025-03-25.

Allele frequency attached by ClinVar (database versions not stated): gnomAD exomes 0.00001; TOPMed 0.00001; ExAC 0.00005.

Submissions (2):

Labcorp Genetics (formerly Invitae), Labcorp
Classification: Uncertain significance. Last evaluated: 2025-03-25. Review status: criteria provided, single submitter. Criteria: Invitae Variant Classification Sherloc (09022015). Collection method: clinical testing. Allele origin: germline.
Comment: This sequence change replaces histidine, which is basic and polar, with tyrosine, which is neutral and polar, at codon 638 of the CACNA1F protein (p.His638Tyr). The frequency data for this variant in the population databases is considered unreliable, as metrics indicate poor data quality at this position in the gnomAD database. This variant has not been reported in the literature in individuals affected with CACNA1F-related conditions. ClinVar contains an entry for this variant (Variation ID: 423582). An algorithm developed to predict the effect of missense changes on protein structure and function (PolyPhen-2) suggests that this variant is likely to be tolerated. In summary, the available evidence is currently insufficient to determine the role of this variant in disease. Therefore, it has been classified as a Variant of Uncertain Significance.

GeneDx
Classification: Uncertain significance. Last evaluated: 2017-02-22. Review status: criteria provided, single submitter. Criteria: GeneDx Variant Classification (06012015). Collection method: clinical testing. Allele origin: germline. Affected: yes.
Comment: The H638Y variant in the CACNA1F gene has not been reported previously as a pathogenic variant, nor as a benign variant, to our knowledge. The H638Y variant is not observed at a significant frequency in large population cohorts (Lek et al., 2016; 1000 Genomes Consortium et al., 2015; Exome Variant Server). The H638Y variant is a non-conservative amino acid substitution, which occurs at a position that is conserved across species. In silico analysis is inconsistent in its predictions as to whether or not the variant is damaging to the protein structure/function. We interpret H638Y as a variant of uncertain significance,

NM_001256789.3(CACNA1F):c.1879C>T (p.His627Tyr)

Gene: CACNA1F (calcium voltage-gated channel subunit alpha1 F; minus strand). Cytogenetic location: Xp11.23.
Variant type: single nucleotide variant.
Coding change: c.1879C>T on transcript NM_001256789.3 (MANE Select); coding-DNA position 1879, C replaced by T.
Protein change: p.His627Tyr; replaces histidine 627 with tyrosine.
Molecular consequence: missense variant.
Genome position (GRCh38, 1-based): chrX:49,223,135, G>A on the plus strand (C>T on the coding strand, the complement: CACNA1F is on the minus strand). VCF-style: chrX-49223135-G-A. GRCh37 (hg19) VCF-style: chrX-49079594-G-A.
Other names: c.1717C>T, p.His573Tyr (NM_001256790.3); c.1912C>T, p.His638Tyr (NM_005183.4); short protein forms H638Y, H627Y, H573Y.
Identifiers: ClinVar variation 423582 (VCV000423582.4), dbSNP rs782485066, ClinGen allele CA10410766.